The following is an entry in ClinVar:

ClinVar aggregate classification (germline): Uncertain significance. Review status: criteria provided, multiple submitters, no conflicts (2 of 4 stars). 2 submissions from 2 submitters: Uncertain significance (2). Last evaluated 2025-06-20.

Conditions:
Familial cancer of breast. Also called: hereditary breast carcinoma; Hereditary breast cancer; BREAST CANCER, FAMILIAL. Identifiers: Orphanet 227535, MedGen C0346153, MONDO:0016419, OMIM 114480. Disease mechanism: loss of function.

Submissions (2):

GeneDx
Classification: Uncertain significance. Last evaluated: 2025-06-20. Review status: criteria provided, single submitter. Criteria: GeneDx Variant Classification Process June 2021. Collection method: clinical testing. Allele origin: germline. Affected: yes.
Comment: Not observed at significant frequency in large population cohorts (gnomAD); In silico analysis supports that this missense variant has a deleterious effect on protein structure/function; Has not been previously published as pathogenic or benign to our knowledge; This variant is associated with the following publications: (PMID: 20871615, 19369211)

Labcorp Genetics (formerly Invitae), Labcorp
Classification: Uncertain significance for Familial cancer of breast. Last evaluated: 2023-05-25. Review status: criteria provided, single submitter. Criteria: Invitae Variant Classification Sherloc (09022015). Collection method: clinical testing. Allele origin: germline.
Comment: An algorithm developed to predict the effect of missense changes on protein structure and function (PolyPhen-2) suggests that this variant is likely to be disruptive. In summary, the available evidence is currently insufficient to determine the role of this variant in disease. Therefore, it has been classified as a Variant of Uncertain Significance. ClinVar contains an entry for this variant (Variation ID: 1373153). This sequence change replaces glutamic acid, which is acidic and polar, with glycine, which is neutral and non-polar, at codon 27 of the PALB2 protein (p.Glu27Gly). This variant is not present in population databases (gnomAD no frequency). This variant has not been reported in the literature in individuals affected with PALB2-related conditions.

NM_024675.4(PALB2):c.80A>G (p.Glu27Gly)

Gene: PALB2 (partner and localizer of BRCA2; minus strand). Cytogenetic location: 16p12.2.
Variant type: single nucleotide variant.
Coding change: c.80A>G on transcript NM_024675.4 (MANE Select); coding-DNA position 80, A replaced by G.
Protein change: p.Glu27Gly; replaces glutamic acid 27 with glycine.
Molecular consequence: missense variant.
Genome position (GRCh38, 1-based): chr16:23,638,098, T>C on the plus strand (A>G on the coding strand, the complement: PALB2 is on the minus strand). VCF-style: chr16-23638098-T-C. GRCh37 (hg19) VCF-style: chr16-23649419-T-C.
Other names: c.80A>G (NM_024675.3); short protein forms E27G.
Identifiers: ClinVar variation 1373153 (VCV001373153.8), dbSNP rs2142460509, ClinGen allele CA395139757.